The following is an entry in ClinVar:

NM_022166.4(XYLT1):c.358G>A (p.Ala120Thr)

Gene: XYLT1 (xylosyltransferase 1; minus strand). Cytogenetic location: 16p12.3.
Variant type: single nucleotide variant.
Coding change: c.358G>A on transcript NM_022166.4 (MANE Select); coding-DNA position 358, G replaced by A.
Protein change: p.Ala120Thr; replaces alanine 120 with threonine.
Molecular consequence: missense variant.
Genome position (GRCh38, 1-based): chr16:17,470,439, C>T on the plus strand (G>A on the coding strand, the complement: XYLT1 is on the minus strand). VCF-style: chr16-17470439-C-T. GRCh37 (hg19) VCF-style: chr16-17564296-C-T.
Other names: short protein forms A120T.
Identifiers: ClinVar variation 1414683 (VCV001414683.8), dbSNP rs769122570, ClinGen allele CA7928280.

ClinVar aggregate classification (germline): Uncertain significance (1 of 4 stars; one submission).

Conditions:
Desbuquois dysplasia 1 (DBQD1). Also called: DESBUQUOIS DYSPLASIA 1, KIM VARIANT; MICROMELIC DWARFISM WITH VERTEBRAL AND METAPHYSEAL ABNORMALITIES AND ADVANCED CARPOTARSAL OSSIFICATION. Identifiers: Orphanet 1425, MedGen C4012146, MONDO:0009629, OMIM 251450.

Allele frequency attached by ClinVar (database versions not stated): gnomAD 0.00006.
gnomAD v4.1: 41 of 1,230,548 alleles (0.0033%); highest among the groups gnomAD compares: Non-Finnish European, 0.0024%; no homozygotes.

Submission:

Labcorp Genetics (formerly Invitae), Labcorp
Classification: Uncertain significance for Desbuquois dysplasia 1. Last evaluated: 2024-10-23. Review status: criteria provided, single submitter. Criteria: Invitae Variant Classification Sherloc (09022015). Collection method: clinical testing. Allele origin: germline.
Comment: This sequence change replaces alanine, which is neutral and non-polar, with threonine, which is neutral and polar, at codon 120 of the XYLT1 protein (p.Ala120Thr). This variant is present in population databases (rs769122570, gnomAD 0.09%). This variant has not been reported in the literature in individuals affected with XYLT1-related conditions. ClinVar contains an entry for this variant (Variation ID: 1414683). An algorithm developed to predict the effect of missense changes on protein structure and function (PolyPhen-2) suggests that this variant is likely to be tolerated. In summary, the available evidence is currently insufficient to determine the role of this variant in disease. Therefore, it has been classified as a Variant of Uncertain Significance.